The following is an entry in ClinVar:

NC_000005.9:g.(?_74970260)_(74990676_?)del

Gene: POC5 (POC5 centriolar protein; minus strand). Cytogenetic location: 5q13.3.
Variant type: Deletion.
Identifiers: ClinVar variation 2423695 (VCV002423695.4).

ClinVar aggregate classification (germline): Uncertain significance (1 of 4 stars; one submission).

Submission:

Labcorp Genetics (formerly Invitae), Labcorp
Classification: Uncertain significance. Last evaluated: 2022-10-27. Review status: criteria provided, single submitter. Criteria: Invitae Variant Classification Sherloc (09022015). Collection method: clinical testing. Allele origin: germline.
Comment: In summary, the available evidence is currently insufficient to determine the role of this variant in disease. Therefore, it has been classified as a Variant of Uncertain Significance. Experimental studies and prediction algorithms are not available or were not evaluated, and the functional significance of this variant is currently unknown. This variant has not been reported in the literature in individuals affected with POC5-related conditions. This variant is a gross deletion of the genomic region encompassing exon(s) 6-12 of the POC5 gene, which includes the termination codon. This deletion extends beyond the assayed region for this gene and therefore may encompass additional genes. While this deletion is not anticipated to lead to nonsense mediated decay, it is expected to alter mRNA translation or result in a truncated protein product.